The following is an entry in ClinVar:

ClinVar aggregate classification (germline): Uncertain significance (1 of 4 stars; one submission).

Allele frequency attached by ClinVar (database versions not stated): gnomAD exomes below 0.00001.
gnomAD v4.1: 6 of 1,536,776 alleles (0.00039%); highest among the groups gnomAD compares: Admixed American, 0.0021%; no homozygotes.

Submission:

Labcorp Genetics (formerly Invitae), Labcorp
Classification: Uncertain significance. Last evaluated: 2022-06-22. Review status: criteria provided, single submitter. Criteria: Invitae Variant Classification Sherloc (09022015). Collection method: clinical testing. Allele origin: germline.
Comment: In summary, the available evidence is currently insufficient to determine the role of this variant in disease. Therefore, it has been classified as a Variant of Uncertain Significance. Algorithms developed to predict the effect of missense changes on protein structure and function (SIFT, PolyPhen-2, Align-GVGD) all suggest that this variant is likely to be tolerated. This variant has not been reported in the literature in individuals affected with RUSC2-related conditions. This variant is present in population databases (no rsID available, gnomAD 0.004%). This sequence change replaces asparagine, which is neutral and polar, with aspartic acid, which is acidic and polar, at codon 1403 of the RUSC2 protein (p.Asn1403Asp).

NM_014806.5(RUSC2):c.4207A>G (p.Asn1403Asp)

Gene: RUSC2 (RUN and SH3 domain containing 2; plus strand). Cytogenetic location: 9p13.3.
Variant type: single nucleotide variant.
Coding change: c.4207A>G on transcript NM_014806.5 (MANE Select); coding-DNA position 4207, A replaced by G.
Protein change: p.Asn1403Asp; replaces asparagine 1403 with aspartic acid.
Molecular consequence: missense variant. On other transcripts: non-coding transcript variant (1).
Genome position (GRCh38, 1-based): chr9:35,560,847, A>G. VCF-style: chr9-35560847-A-G. GRCh37 (hg19) VCF-style: chr9-35560844-A-G.
Other names: c.4207A>G, p.Asn1403Asp (NM_001135999.2); c.1573A>G, p.Asn525Asp (NM_001330740.2); short protein forms N525D, N1403D.
Identifiers: ClinVar variation 2179989 (VCV002179989.4), dbSNP rs1385582286, ClinGen allele CA373356894.